The following is an entry in ClinVar:

ClinVar aggregate classification (germline): Uncertain significance. Review status: criteria provided, single submitter (1 of 4 stars). 2 submissions from 2 submitters: Uncertain significance (1). 1 of the submissions does not count toward it. Last evaluated 2018-08-31.

Conditions:
PCNT-related disorder. Also called: PCNT-related condition.

Allele frequency attached by ClinVar (database versions not stated): gnomAD exomes 0.00002 and 0.00005; ExAC 0.00003; TOPMed 0.00003; gnomAD 0.00004.
gnomAD v4.1: 76 of 1,613,064 alleles (0.0047%); highest among the groups gnomAD compares: Middle Eastern, 0.016%; no homozygotes.

Submissions (2):

Genetic Services Laboratory, University of Chicago
Classification: Uncertain significance. Last evaluated: 2018-08-31. Review status: criteria provided, single submitter. Criteria: ACMG Guidelines, 2015. Collection method: clinical testing. Allele origin: germline. Affected: no.

PreventionGenetics, part of Exact Sciences
Classification: Uncertain significance for PCNT-related condition. Last evaluated: 2024-03-28. Review status: no assertion criteria provided. Collection method: clinical testing. Allele origin: germline. Not counted in ClinVar's aggregate classification.
Comment: The PCNT c.6631C>T variant is predicted to result in the amino acid substitution p.Pro2211Ser. To our knowledge, this variant has not been reported in the literature. This variant is reported in 0.0054% of alleles in individuals of European (Non-Finnish) descent in gnomAD. At this time, the clinical significance of this variant is uncertain due to the absence of conclusive functional and genetic evidence.

NM_006031.6(PCNT):c.6631C>T (p.Pro2211Ser)

Gene: PCNT (pericentrin; plus strand). Cytogenetic location: 21q22.3.
Variant type: single nucleotide variant.
Coding change: c.6631C>T on transcript NM_006031.6 (MANE Select); coding-DNA position 6631, C replaced by T.
Protein change: p.Pro2211Ser; replaces proline 2211 with serine.
Molecular consequence: missense variant.
Genome position (GRCh38, 1-based): chr21:46,416,549, C>T. VCF-style: chr21-46416549-C-T. GRCh37 (hg19) VCF-style: chr21-47836463-C-T.
Other names: c.6277C>T, p.Pro2093Ser (NM_001315529.2); short protein forms P2093S, P2211S.
Identifiers: ClinVar variation 1338715 (VCV001338715.6), dbSNP rs775124083, ClinGen allele CA10080368.
Genomic context (GRCh38, chr21:46,416,549, plus strand): 5'-TCTTCACCGACCAGCGTACTTGGTGGCTCCCGCCACCAGAGCCACACTGCAGAGGCTGGG[C>T]CCCGGAAGAGCCCGGTCGGGATGCTGGACCTGTCTTCCTGGAGCTCCCCTGAGGTCCTCA-3'
Protein context (NP_006022.3, residues 2201-2221): RHQSHTAEAG[Pro2211Ser]RKSPVGMLDL